The following is an entry in ClinVar:

NM_001605.3(AARS1):c.327_331del (p.Tyr109_Lys111delinsTer)

Gene: AARS1 (alanyl-tRNA synthetase 1; minus strand). Cytogenetic location: 16q22.1.
Variant type: Deletion.
Coding change: c.327_331del on transcript NM_001605.3 (MANE Select); coding-DNA positions 327 to 331, 5 bases deleted (CTTTA; older notation c.327_331delCTTTA).
Protein change: p.Tyr109_Lys111delinsTer.
Molecular consequence: nonsense.
Genome position (GRCh38, 1-based): chr16:70,276,968-70,276,972, TAAAG deleted on the plus strand (CTTTA on the coding strand, the reverse complement: AARS1 is on the minus strand); deleting any 5 consecutive bases within chr16:70,276,968-70,276,975 gives the same sequence; the c. name uses the placement nearest the transcript's 3' end. VCF-style (leftmost placement, unchanged base first): chr16-70276967-TTAAAG-T. GRCh37 (hg19) VCF-style: chr16-70310870-TTAAAG-T.
Other names: c.327_331delCTTTA (NM_001605.2).
Identifiers: ClinVar variation 504011 (VCV000504011.7), dbSNP rs763937206, ClinGen allele CA8141173.
Genomic context (GRCh38, chr16:70,276,967, plus strand): 5'-CCAGTGTGGAAAAGACCATTTTCCTCAAAACCCTAGTGGTTCTTCTGCTCTGAACTTACC[TTAAAG>T]TAATCTCCAAAAGACCAAGAGCCCAGCATCTCGAAGAAGGTGTGATGATAGACATCCTTG-3'

ClinVar aggregate classification (germline): Pathogenic/Likely pathogenic. Review status: criteria provided, multiple submitters, no conflicts (2 of 4 stars). 2 submissions from 2 submitters: Pathogenic (1); Likely pathogenic (1). Last evaluated 2024-07-25.

Conditions:
Charcot-Marie-Tooth disease type 2. Also called: Charcot-Marie-Tooth type 2. Identifiers: Orphanet 64746, MedGen C0270914, MONDO:0018993.

Submissions (2):

GeneDx
Classification: Likely pathogenic. Last evaluated: 2024-07-25. Review status: criteria provided, single submitter. Criteria: GeneDx Variant Classification Process June 2021. Collection method: clinical testing. Allele origin: germline. Affected: yes.
Comment: Nonsense variant predicted to result in protein truncation or nonsense mediated decay in a gene for which loss of function is a known mechanism of disease; Not observed at significant frequency in large population cohorts (gnomAD); Has not been previously published as pathogenic or benign to our knowledge; This variant is associated with the following publications: (PMID: 34446925, 25817015, 28493438)

Labcorp Genetics (formerly Invitae), Labcorp
Classification: Pathogenic for Charcot-Marie-Tooth disease type 2. Last evaluated: 2024-07-18. Review status: criteria provided, single submitter. Criteria: Invitae Variant Classification Sherloc (09022015). Collection method: clinical testing. Allele origin: germline.
Comment: This sequence change creates a premature translational stop signal (p.Tyr109*) in the AARS gene. It is expected to result in an absent or disrupted protein product. Loss-of-function variants in AARS are known to be pathogenic (PMID: 25817015, 28493438, 34446925). This variant is present in population databases (rs763937206, gnomAD 0.004%). This variant has not been reported in the literature in individuals affected with AARS-related conditions. ClinVar contains an entry for this variant (Variation ID: 504011). For these reasons, this variant has been classified as Pathogenic.

Literature cited by the submitters: PubMed 25817015 (cited by Labcorp Genetics (formerly Invitae), Labcorp); PubMed 28493438 (cited by Labcorp Genetics (formerly Invitae), Labcorp); PubMed 34446925 (cited by Labcorp Genetics (formerly Invitae), Labcorp).